The following is an entry in ClinVar:

ClinVar aggregate classification (germline): Uncertain significance (1 of 4 stars; one submission).

Conditions:
Early-infantile DEE. Also called: Ohtahara syndrome; Early infantile epileptic encephalopathy with suppression bursts; Early infantile epileptic encephalopathy. Identifiers: Orphanet 1934, MedGen C0393706, MONDO:0800491.

Allele frequency attached by ClinVar (database versions not stated): TOPMed below 0.00001; gnomAD 0.00001.
gnomAD v4.1: 7 of 1,613,970 alleles (0.00043%); highest among the groups gnomAD compares: Non-Finnish European, 0.00059%; no homozygotes.

Submission:

Labcorp Genetics (formerly Invitae), Labcorp
Classification: Uncertain significance for Early-infantile DEE. Last evaluated: 2022-09-19. Review status: criteria provided, single submitter. Criteria: Invitae Variant Classification Sherloc (09022015). Collection method: clinical testing. Allele origin: germline.
Comment: This variant has not been reported in the literature in individuals affected with ARHGEF15-related conditions. ClinVar contains an entry for this variant (Variation ID: 1064153). Algorithms developed to predict the effect of missense changes on protein structure and function are either unavailable or do not agree on the potential impact of this missense change (SIFT: "Deleterious"; PolyPhen-2: "Probably Damaging"; Align-GVGD: "Class C0"). In summary, the available evidence is currently insufficient to determine the role of this variant in disease. Therefore, it has been classified as a Variant of Uncertain Significance. This variant is not present in population databases (gnomAD no frequency). This sequence change replaces glutamine, which is neutral and polar, with histidine, which is basic and polar, at codon 585 of the ARHGEF15 protein (p.Gln585His).

NM_173728.4(ARHGEF15):c.1755G>C (p.Gln585His)

Gene: ARHGEF15 (Rho guanine nucleotide exchange factor 15; plus strand). Cytogenetic location: 17p13.1.
Variant type: single nucleotide variant.
Coding change: c.1755G>C on transcript NM_173728.4 (MANE Select); coding-DNA position 1755, G replaced by C.
Protein change: p.Gln585His; replaces glutamine 585 with histidine.
Molecular consequence: missense variant.
Genome position (GRCh38, 1-based): chr17:8,318,437, G>C. VCF-style: chr17-8318437-G-C. GRCh37 (hg19) VCF-style: chr17-8221755-G-C.
Other names: c.1755G>C, p.Gln585His (NM_025014.2); short protein forms Q585H.
Identifiers: ClinVar variation 1064153 (VCV001064153.10), dbSNP rs1280630665, ClinGen allele CA398022780.